The following is an entry in ClinVar:

ClinVar aggregate classification (germline): Uncertain significance (1 of 4 stars; one submission).

Conditions:
Fanconi anemia (FA). Also called: Fanconi's anemia. Identifiers: Orphanet 84, MedGen C0015625, MeSH D005199, MONDO:0019391.

Allele frequency attached by ClinVar (database versions not stated): TOPMed below 0.00001; gnomAD exomes 0.00002.

Submission:

Labcorp Genetics (formerly Invitae), Labcorp
Classification: Uncertain significance for Fanconi anemia. Last evaluated: 2022-05-04. Review status: criteria provided, single submitter. Criteria: Invitae Variant Classification Sherloc (09022015). Collection method: clinical testing. Allele origin: germline.
Comment: This sequence change replaces proline, which is neutral and non-polar, with leucine, which is neutral and non-polar, at codon 1562 of the SLX4 protein (p.Pro1562Leu). This variant is present in population databases (no rsID available, gnomAD 0.01%). This variant has not been reported in the literature in individuals affected with SLX4-related conditions. ClinVar contains an entry for this variant (Variation ID: 1020386). Algorithms developed to predict the effect of missense changes on protein structure and function (SIFT, PolyPhen-2, Align-GVGD) all suggest that this variant is likely to be disruptive. In summary, the available evidence is currently insufficient to determine the role of this variant in disease. Therefore, it has been classified as a Variant of Uncertain Significance.

NM_032444.4(SLX4):c.4685C>T (p.Pro1562Leu)

Gene: SLX4 (SLX4 structure-specific endonuclease subunit; minus strand). Cytogenetic location: 16p13.3.
Variant type: single nucleotide variant.
Coding change: c.4685C>T on transcript NM_032444.4 (MANE Select); coding-DNA position 4685, C replaced by T.
Protein change: p.Pro1562Leu; replaces proline 1562 with leucine.
Molecular consequence: missense variant.
Genome position (GRCh38, 1-based): chr16:3,584,823, G>A on the plus strand (C>T on the coding strand, the complement: SLX4 is on the minus strand). VCF-style: chr16-3584823-G-A. GRCh37 (hg19) VCF-style: chr16-3634824-G-A.
Other names: short protein forms P1562L.
Identifiers: ClinVar variation 1020386 (VCV001020386.6), dbSNP rs1423103812, ClinGen allele CA394516131.